The following is an entry in ClinVar:

NM_000081.4(LYST):c.7780+3G>A

Gene: LYST (lysosomal trafficking regulator; minus strand). Cytogenetic location: 1q42.3.
Variant type: single nucleotide variant.
Coding change: c.7780+3G>A on transcript NM_000081.4 (MANE Select); 3 bases into the intron after coding-DNA position 7780, G replaced by A.
Molecular consequence: intron variant.
Genome position (GRCh38, 1-based): chr1:235,751,207, C>T on the plus strand (G>A on the coding strand, the complement: LYST is on the minus strand). VCF-style: chr1-235751207-C-T. GRCh37 (hg19) VCF-style: chr1-235914507-C-T.
Other names: c.7780+3G>A (NM_001301365.1).
Identifiers: ClinVar variation 2040392 (VCV002040392.4), dbSNP rs944852944, ClinGen allele CA39612052.
Genomic context (GRCh38, chr1:235,751,207, plus strand): 5'-AGAACATAGGAAAGTCAAGCTAGCCTCAATTTATGGTTATTAAAATATGATTTCAATACT[C>T]GCCAGCAATGCTTTTCCGCTTTTGAACTACTGCATGATGGGGAGCAGAAGGTGACTGGAG-3'

ClinVar aggregate classification (germline): Uncertain significance (1 of 4 stars; one submission).

Conditions:
Chédiak-Higashi syndrome (CHS). Also called: Chediak-Higashi Syndrome. Identifiers: Orphanet 167, MedGen C0007965, MONDO:0008963, OMIM 214500.

Allele frequency attached by ClinVar (database versions not stated): gnomAD 0.00001; gnomAD exomes 0.00002; TOPMed 0.00003.
gnomAD v4.1: 31 of 1,613,258 alleles (0.0019%); highest among the groups gnomAD compares: Non-Finnish European, 0.0025%; no homozygotes.

Submission:

Labcorp Genetics (formerly Invitae), Labcorp
Classification: Uncertain significance for Chédiak-Higashi syndrome. Last evaluated: 2024-01-19. Review status: criteria provided, single submitter. Criteria: Invitae Variant Classification Sherloc (09022015). Collection method: clinical testing. Allele origin: germline.
Comment: This sequence change falls in intron 28 of the LYST gene. It does not directly change the encoded amino acid sequence of the LYST protein. It affects a nucleotide within the consensus splice site. This variant is present in population databases (no rsID available, gnomAD 0.0009%). This variant has not been reported in the literature in individuals affected with LYST-related conditions. ClinVar contains an entry for this variant (Variation ID: 2040392). Variants that disrupt the consensus splice site are a relatively common cause of aberrant splicing (PMID: 17576681, 9536098). Algorithms developed to predict the effect of sequence changes on RNA splicing suggest that this variant is not likely to affect RNA splicing. In summary, the available evidence is currently insufficient to determine the role of this variant in disease. Therefore, it has been classified as a Variant of Uncertain Significance.

Literature cited by the submitters: PubMed 17576681; PubMed 9536098.